The following is an entry in ClinVar:

ClinVar aggregate classification (germline): Uncertain significance (1 of 4 stars; one submission).

Conditions:
Early-infantile DEE. Also called: Early infantile epileptic encephalopathy; Ohtahara syndrome; Early infantile epileptic encephalopathy with suppression bursts. Identifiers: Orphanet 1934, MedGen C0393706, MONDO:0800491.

Submission:

Labcorp Genetics (formerly Invitae), Labcorp
Classification: Uncertain significance for Early-infantile DEE. Last evaluated: 2024-05-15. Review status: criteria provided, single submitter. Criteria: Invitae Variant Classification Sherloc (09022015). Collection method: clinical testing. Allele origin: germline.
Comment: This sequence change falls in intron 20 of the SCN1A gene. It does not directly change the encoded amino acid sequence of the SCN1A protein. However, this sequence change falls within a region encompassing a cryptic exon in the SCN1A gene, in which variants have been shown to alter splicing (PMID: 30526861, 34107977). This variant is not present in population databases (gnomAD no frequency). This variant has not been reported in the literature in individuals affected with SCN1A-related conditions. ClinVar contains an entry for this variant (Variation ID: 2001893). Algorithms developed to predict the effect of sequence changes on RNA splicing suggest that this variant is not likely to affect RNA splicing. In summary, the available evidence is currently insufficient to determine the role of this variant in disease. Therefore, it has been classified as a Variant of Uncertain Significance.

Literature cited by the submitters: PubMed 30526861; PubMed 34107977.

NM_001165963.4(SCN1A):c.4002+2073A>C

Genes: SCN1A (sodium voltage-gated channel alpha subunit 1; minus strand), LOC102724058 (uncharacterized LOC102724058; plus strand). Cytogenetic location: 2q24.3.
Variant type: single nucleotide variant.
Coding change: c.4002+2073A>C on transcript NM_001165963.4 (MANE Select); 2073 bases into the intron after coding-DNA position 4002, A replaced by C.
Molecular consequence: intron variant.
Genome position (GRCh38, 1-based): chr2:166,007,646, T>G on the plus strand (A>C on the coding strand, the complement: SCN1A is on the minus strand). VCF-style: chr2-166007646-T-G. GRCh37 (hg19) VCF-style: chr2-166864156-T-G.
Other names: c.3969+2073A>C (NM_001353949.2, NM_001353950.2, NM_001353951.2 and 2 more transcripts); c.3918+2073A>C (NM_001353958.2, NM_001353957.2, NM_001165964.3); c.4002+2073A>C (NM_001202435.3, NM_001353948.2); c.3966+2073A>C (NM_001353955.2, NM_001353954.2); c.3915+2073A>C (NM_001353960.2); c.1560+2073A>C (NM_001353961.2).
Identifiers: ClinVar variation 2001893 (VCV002001893.4), dbSNP rs2468474609, ClinGen allele CA2580064283.